The following is an entry in ClinVar:

NM_001330078.2(NRXN1):c.1175A>G (p.Asp392Gly)

Gene: NRXN1 (neurexin 1; minus strand). Cytogenetic location: 2p16.3.
Variant type: single nucleotide variant.
Coding change: c.1175A>G on transcript NM_001330078.2 (MANE Select); coding-DNA position 1175, A replaced by G.
Protein change: p.Asp392Gly; replaces aspartic acid 392 with glycine.
Molecular consequence: missense variant.
Genome position (GRCh38, 1-based): chr2:50,620,167, T>C on the plus strand (A>G on the coding strand, the complement: NRXN1 is on the minus strand). VCF-style: chr2-50620167-T-C. GRCh37 (hg19) VCF-style: chr2-50847305-T-C.
Other names: c.1295A>G, p.Asp432Gly (NM_001135659.3); c.1151A>G, p.Asp384Gly (NM_001330077.2, NM_001330082.2, NM_001330095.2); c.1136A>G, p.Asp379Gly (NM_001330083.2, NM_001330084.2); c.1175A>G, p.Asp392Gly (NM_001330085.2, NM_001330086.2, NM_004801.6); c.1091A>G, p.Asp364Gly (NM_001330087.2, NM_001330096.2); c.1121A>G, p.Asp374Gly (NM_001330088.2); c.1172A>G, p.Asp391Gly (NM_001330093.2); c.1163A>G, p.Asp388Gly (NM_001330094.2); short protein forms D384G, D364G, D379G, D388G, D432G, D374G, D392G, D391G.
Identifiers: ClinVar variation 1384215 (VCV001384215.8), dbSNP rs928384825, ClinGen allele CA47954343.
Genomic context (GRCh38, chr2:50,620,167, plus strand): 5'-TCATCAGACCCCAGCATGGTATAATCTTCTTGCGTGTAGCCCGTTGTGGTAAGAATCCCA[T>C]CCACTGATATTGTCACCTAGATAACAAAGCACAGGGAAAGGACACGCTATACTCAGACCT-3'
Protein context (NP_001317007.1, residues 382-402): IGHAMVTISV[Asp392Gly]GILTTTGYTQ

ClinVar aggregate classification (germline): Uncertain significance (1 of 4 stars; one submission).

Conditions:
Pitt-Hopkins-like syndrome 2 (PTHSL2). Identifiers: Orphanet 221150, Orphanet 600663, MedGen C3280479, MONDO:0013690, OMIM 614325.

Allele frequency attached by ClinVar (database versions not stated): TOPMed below 0.00001.

Submission:

Labcorp Genetics (formerly Invitae), Labcorp
Classification: Uncertain significance for Pitt-Hopkins-like syndrome 2. Last evaluated: 2022-03-20. Review status: criteria provided, single submitter. Criteria: Invitae Variant Classification Sherloc (09022015). Collection method: clinical testing. Allele origin: germline.
Comment: This variant is not present in population databases (gnomAD no frequency). In summary, the available evidence is currently insufficient to determine the role of this variant in disease. Therefore, it has been classified as a Variant of Uncertain Significance. Algorithms developed to predict the effect of sequence changes on RNA splicing suggest that this variant may disrupt the consensus splice site. Algorithms developed to predict the effect of missense changes on protein structure and function are either unavailable or do not agree on the potential impact of this missense change (SIFT: "Deleterious"; PolyPhen-2: "Benign"; Align-GVGD: "Class C65"). This variant has not been reported in the literature in individuals affected with NRXN1-related conditions. This sequence change replaces aspartic acid, which is acidic and polar, with glycine, which is neutral and non-polar, at codon 432 of the NRXN1 protein (p.Asp432Gly).